The following is an entry in ClinVar:

ClinVar aggregate classification (germline): Uncertain significance (1 of 4 stars; one submission).

Submission:

Labcorp Genetics (formerly Invitae), Labcorp
Classification: Uncertain significance. Last evaluated: 2025-10-22. Review status: criteria provided, single submitter. Criteria: Invitae Variant Classification Sherloc (09022015). Collection method: clinical testing. Allele origin: germline.
Comment: This sequence change replaces phenylalanine, which is neutral and non-polar, with leucine, which is neutral and non-polar, at codon 3229 of the CDH23 protein (p.Phe3229Leu). This variant is not present in population databases (gnomAD no frequency). This variant has not been reported in the literature in individuals affected with CDH23-related conditions. ClinVar contains an entry for this variant (Variation ID: 1421557). Invitae Evidence Modeling of protein sequence and biophysical properties (such as structural, functional, and spatial information, amino acid conservation, physicochemical variation, residue mobility, and thermodynamic stability) has been performed for this missense variant. However, the output from this modeling did not meet the statistical confidence thresholds required to predict the impact of this variant on CDH23 protein function. In summary, the available evidence is currently insufficient to determine the role of this variant in disease. Therefore, it has been classified as a Variant of Uncertain Significance.

NM_022124.6(CDH23):c.9685T>C (p.Phe3229Leu)

Gene: CDH23 (cadherin related 23; plus strand). Cytogenetic location: 10q22.1.
Variant type: single nucleotide variant.
Coding change: c.9685T>C on transcript NM_022124.6 (MANE Select); coding-DNA position 9685, T replaced by C.
Protein change: p.Phe3229Leu; replaces phenylalanine 3229 with leucine.
Molecular consequence: missense variant. On other transcripts: intron variant (2).
Genome position (GRCh38, 1-based): chr10:71,813,295, T>C. VCF-style: chr10-71813295-T-C. GRCh37 (hg19) VCF-style: chr10-73573052-T-C.
Other names: c.2965T>C, p.Phe989Leu (NM_001171933.1); c.376T>C, p.Phe126Leu (NM_001171935.1); c.2913+405T>C (NM_001171934.1); c.324+405T>C (NM_001171936.1); short protein forms F126L, F3229L, F989L.
Identifiers: ClinVar variation 1421557 (VCV001421557.6), dbSNP rs2133009890, ClinGen allele CA377137307.